The following is an entry in ClinVar:

ClinVar aggregate classification (germline): Conflicting classifications of pathogenicity. Review status: criteria provided, conflicting classifications (1 of 4 stars). 3 submissions from 3 submitters: Pathogenic (1); Uncertain significance (2). Last evaluated 2025-08-22.

Conditions:
Cardiovascular phenotype. Identifiers: MedGen CN230736.
Dilated cardiomyopathy 1O (CMD1O). Also called: CARDIOMYOPATHY, DILATED, WITH VENTRICULAR TACHYCARDIA. Identifiers: Orphanet 154, MedGen C1837839, MONDO:0012062, OMIM 608569.

Submissions (3):

Labcorp Genetics (formerly Invitae), Labcorp
Classification: Pathogenic for Dilated cardiomyopathy 1O. Last evaluated: 2025-08-22. Review status: criteria provided, single submitter. Criteria: Invitae Variant Classification Sherloc (09022015). Collection method: clinical testing. Allele origin: germline.
Comment: This sequence change creates a premature translational stop signal (p.Lys923Argfs*10) in the ABCC9 gene. It is expected to result in an absent or disrupted protein product. Loss-of-function variants in ABCC9 are known to be pathogenic (PMID: 31575858, 38217872). This variant is present in population databases (rs775677708, gnomAD 0.007%). This variant has not been reported in the literature in individuals affected with ABCC9-related conditions. ClinVar contains an entry for this variant (Variation ID: 1394160). For these reasons, this variant has been classified as Pathogenic.

Ambry Genetics
Classification: Uncertain significance for Cardiovascular phenotype. Last evaluated: 2022-03-15. Review status: criteria provided, single submitter. Criteria: Ambry Variant Classification Scheme 2023. Collection method: clinical testing. Allele origin: germline.
Comment: The c.2768delA variant, located in coding exon 22 of the ABCC9 gene, results from a deletion of one nucleotide at nucleotide position 2768, causing a translational frameshift with a predicted alternate stop codon (p.K923Rfs*10). This alteration is expected to result in premature protein truncation or nonsense-mediated mRNA decay. However, loss of function of ABCC9 has not been clearly established as a mechanism of disease. Since supporting evidence is limited at this time, the clinical significance of this alteration remains unclear.

AiLife Diagnostics
Classification: Uncertain significance. Last evaluated: 2022-02-28. Review status: criteria provided, single submitter. Criteria: ACMG Guidelines, 2015. Collection method: clinical testing. Allele origin: germline. Affected: yes. Observed: 2 variant alleles.

Literature cited by the submitters: PubMed 31575858 (cited by Labcorp Genetics (formerly Invitae), Labcorp); PubMed 38217872 (cited by Labcorp Genetics (formerly Invitae), Labcorp).

NM_020297.4(ABCC9):c.2768del (p.Lys923fs)

Gene: ABCC9 (ATP binding cassette subfamily C member 9; minus strand). Cytogenetic location: 12p12.1.
Variant type: Deletion.
Coding change: c.2768del on transcript NM_020297.4 (MANE Select); coding-DNA position 2768, one base deleted (A; older notation c.2768delA).
Protein change: p.Lys923fs; shifts the reading frame from lysine 923.
Molecular consequence: frameshift variant.
Genome position (GRCh38, 1-based): chr12:21,852,098, T deleted on the plus strand (A on the coding strand, the reverse complement: ABCC9 is on the minus strand); the first of 4 consecutive T bases (chr12:21,852,098-21,852,101); deleting any one gives the same sequence. VCF-style (leftmost placement, unchanged base first): chr12-21852097-CT-C. GRCh37 (hg19) VCF-style: chr12-22005031-CT-C.
Other names: c.2768del, p.Lys923fs (NM_001377273.1, NM_005691.4); c.1901del, p.Lys634fs (NM_001377274.1); short protein forms K634fs, K923fs.
Identifiers: ClinVar variation 1394160 (VCV001394160.9), dbSNP rs775677708, ClinGen allele CA6481294.